The following is an entry in ClinVar:

ClinVar aggregate classification (germline): Likely pathogenic (1 of 4 stars; one submission).

Conditions:
Rare genetic deafness. Identifiers: Orphanet 96210, MedGen C5680250.

Allele frequency attached by ClinVar (database versions not stated): gnomAD exomes below 0.00001; TOPMed below 0.00001.

Submission:

Laboratory for Molecular Medicine, Mass General Brigham Personalized Medicine
Classification: Likely pathogenic for Rare genetic deafness. Last evaluated: 2019-05-09. Review status: criteria provided, single submitter. Criteria: LMM Criteria. Collection method: clinical testing. Allele origin: germline. Inheritance: Autosomal recessive inheritance. Observed: 3 variant alleles.
Comment: The p.Ala154GlnfsX32 variant in GPSM2 has not been previously identified in individuals with hearing loss or Chudley-McCullough syndrome, but has been identified in 1/251442 of the total chromosomes in gnomAD. This variant is predicted to cause a frameshift, which alters the proteinâ€™s amino acid sequence beginning at position 154 and leads to a premature termination codon 32 amino acids downstream. This alteration is then predicted to lead to a truncated or absent protein. Loss of function variants in the GPSM2 gene have been strongly associated with Chudley-McCullough syndrome, which is an autosomal recessive syndrome characterized by sensorineural hearing loss and specific brain malformations, without additional significant neurological or developmental abnormalities (Doherty 2012). In summary, although additional studies are required to fully establish its clinical significance, this variant meets criteria to be classified as likely pathogenic for autosomal recessive Chudley-McCullough syndrome. ACMG/AMP Criteria applied: PVS1, PM2.

Literature cited by the submitters: PubMed 22578326.

NM_013296.5(GPSM2):c.459_460del (p.Ala154fs)

Gene: GPSM2 (G protein signaling modulator 2; plus strand). Cytogenetic location: 1p13.3.
Variant type: Deletion.
Coding change: c.459_460del on transcript NM_013296.5 (MANE Select); coding-DNA positions 459 to 460, 2 bases deleted (TG; older notation c.459_460delTG).
Protein change: p.Ala154fs; shifts the reading frame from alanine 154.
Molecular consequence: frameshift variant.
Genome position (GRCh38, 1-based): chr1:108,898,003-108,898,004, TG deleted. VCF-style (leftmost placement, unchanged base first): chr1-108898002-ATG-A. GRCh37 (hg19) VCF-style: chr1-109440624-ATG-A.
Other names: c.459_460del, p.Ala154fs (NM_001321038.2, NM_001321039.3); short protein forms A154fs.
Identifiers: ClinVar variation 180034 (VCV000180034.5), dbSNP rs727505300, ClinGen allele CA185685.
Genomic context (GRCh38, chr1:108,898,002, plus strand): 5'-CTGATGTCTTCATTTAGGTGGGAGAAGCAAGAGCACTTTACAATCTTGGGAATGTGTATC[ATG>A]CCAAAGGGAAAAGTTTTGGTTGCCCTGGTCCCCAGGATGTAGGAGAATTTCCAGAAGAAG-3'